The following is an entry in ClinVar:

NM_006469.5(IVNS1ABP):c.1501C>T (p.Arg501Trp)

Gene: IVNS1ABP (influenza virus NS1A binding protein; minus strand). Cytogenetic location: 1q25.3.
Variant type: single nucleotide variant.
Coding change: c.1501C>T on transcript NM_006469.5 (MANE Select); coding-DNA position 1501, C replaced by T.
Protein change: p.Arg501Trp; replaces arginine 501 with tryptophan.
Molecular consequence: missense variant.
Genome position (GRCh38, 1-based): chr1:185,299,999, G>A on the plus strand (C>T on the coding strand, the complement: IVNS1ABP is on the minus strand). VCF-style: chr1-185299999-G-A. GRCh37 (hg19) VCF-style: chr1-185269131-G-A.
Other names: short protein forms R501W.
Identifiers: ClinVar variation 5005391 (VCV005005391.2).

ClinVar aggregate classification (germline): Uncertain significance (1 of 4 stars; one submission).

Conditions:
Immunodeficiency 70. Identifiers: MedGen C5436501, MONDO:0033542, OMIM 618969.

Submission:

Juno Genomics, Hangzhou Juno Genomics, Inc
Classification: Uncertain significance for Immunodeficiency 70. Review status: criteria provided, single submitter. Criteria: ACMG Guidelines, 2015. Collection method: clinical testing. Allele origin: germline.
Comment: Missense variant in a gene that has a low rate of benign missense variation.;Multiple lines of computational evidence support a deleterious effect on the gene or gene product.;Absent from controls (or at extremely low frequency if recessive) in Genome Aggregation Database.